The following is an entry in ClinVar:

NM_015634.4(KIFBP):c.258C>T (p.Pro86=)

Gene: KIFBP (kinesin family binding protein; plus strand). Cytogenetic location: 10q22.1.
Variant type: single nucleotide variant.
Coding change: c.258C>T on transcript NM_015634.4 (MANE Select); coding-DNA position 258, C replaced by T.
Protein change: p.Pro86=; no amino-acid change (proline 86 retained).
Molecular consequence: synonymous variant.
Genome position (GRCh38, 1-based): chr10:68,989,090, C>T. VCF-style: chr10-68989090-C-T. GRCh37 (hg19) VCF-style: chr10-70748846-C-T.
Identifiers: ClinVar variation 3250853 (VCV003250853.18), dbSNP rs771149799.
Genomic context (GRCh38, chr10:68,989,090, plus strand): 5'-CCCGGGTGCCGGTGACCACGCCCTGGGGCTGCCGGCTGAGGTGGTGGAGCCCGAGGGGCC[C>T]GTCGCCCAGCGAGCGGTGAGGCTGGCAGTCATCGAGTTCCACCTCGGGGTGAACCACATC-3'
Protein context (NP_056449.1, residues 76-96): LPAEVVEPEG[Pro86=]VAQRAVRLAV

ClinVar aggregate classification (germline): Likely benign (1 of 4 stars; one submission).

Allele frequency attached by ClinVar (database versions not stated): gnomAD 0.00001; ExAC 0.00002; TOPMed 0.00003.
gnomAD v4.1: 15 of 1,610,612 alleles (0.00093%); highest among the groups gnomAD compares: Admixed American, 0.0034%; no homozygotes.

Submission:

CeGaT Center for Human Genetics Tuebingen
Classification: Likely benign. Last evaluated: 2024-06-01. Review status: criteria provided, single submitter. Criteria: CeGaT Center For Human Genetics Tuebingen Variant Classification Criteria Version 2. Collection method: clinical testing. Allele origin: germline. Affected: yes. Observed: 1 variant allele.
Comment: KIFBP: BP4, BP7